The following is an entry in ClinVar:

NM_000170.3(GLDC):c.2033_2035del (p.Ala678del)

Gene: GLDC (glycine decarboxylase; minus strand). Cytogenetic location: 9p24.1.
Variant type: Deletion.
Coding change: c.2033_2035del on transcript NM_000170.3 (MANE Select); coding-DNA positions 2033 to 2035, 3 bases deleted (CAG; older notation c.2033_2035delCAG).
Protein change: p.Ala678del; deletes alanine 678.
Molecular consequence: inframe deletion.
Genome position (GRCh38, 1-based): chr9:6,558,576-6,558,578, CTG deleted on the plus strand (CAG on the coding strand, the reverse complement: GLDC is on the minus strand); deleting any 3 consecutive bases within chr9:6,558,576-6,558,579 gives the same sequence; the c. name uses the placement nearest the transcript's 3' end. VCF-style (leftmost placement, unchanged base first): chr9-6558575-ACTG-A. GRCh37 (hg19) VCF-style: chr9-6558575-ACTG-A.
Other names: c.2033_2035delCAG (NM_000170.2); short protein forms A678del.
Identifiers: ClinVar variation 558242 (VCV000558242.21), dbSNP rs769625871, ClinGen allele CA4980433.
Genomic context (GRCh38, chr9:6,558,575, plus strand): 5'-TCCCCATCCCGGCCTCTCCCATCTGCTAAGGAGAAGACAAGTACCATGGCCTTGAGGTGA[ACTG>A]CATCGATATTCCCATATTTATCCACCTCCACAGGCTGAATCTTCATGCCTGCCATGTGGG-3'

ClinVar aggregate classification (germline): Likely pathogenic. Review status: criteria provided, multiple submitters, no conflicts (2 of 4 stars). 5 submissions from 5 submitters: Likely pathogenic (4). 1 of the submissions does not count toward it. Last evaluated 2025-07-16.

Conditions:
Glycine encephalopathy 1 (GCE1). Identifiers: MedGen CN376801, MONDO:0958179, OMIM 605899.
Glycine encephalopathy. Also called: Nonketotic hyperglycinemia; Non-ketotic hyperglycinemia. Identifiers: Orphanet 407, MedGen C0751748, MONDO:0011612, HP:0008288.

Submissions (5):

Natera, Inc.
Classification: Likely pathogenic for Non-ketotic hyperglycinemia. Last evaluated: 2025-07-16. Review status: criteria provided, single submitter. Criteria: Natera Variant Classification Schema (03/2026). Collection method: clinical testing. Allele origin: germline.
Comment: The c.2033_2035delCAG variant in GLDC is an in-frame deletion predicted to remove alanine at amino acid 678 while preserving the reading frame. This variant is rare in the general population with a frequency below the threshold expected for the associated phenotype(s). This variant has been observed in one or more individuals affected with the associated recessive disease, as either homozygous or compound heterozygous with a second variant (PMID: 35357708, 26179960). Functional studies show that this variant may disrupt protein function (PMID: 26179960). This variant results in a change to the protein length while preserving reading frame, which may disrupt normal protein structure or function. Given the available evidence, this variant is classified as Likely Pathogenic.

Fulgent Genetics
Classification: Likely pathogenic for Glycine encephalopathy 1. Last evaluated: 2024-05-07. Review status: criteria provided, single submitter. Criteria: ACMG Guidelines, 2015. Collection method: clinical testing. Allele origin: germline.

Labcorp Genetics (formerly Invitae), Labcorp
Classification: Likely pathogenic for Glycine encephalopathy. Last evaluated: 2023-06-16. Review status: criteria provided, single submitter. Criteria: Invitae Variant Classification Sherloc (09022015). Collection method: clinical testing. Allele origin: germline.
Comment: Experimental studies have shown that this variant affects GLDC function (PMID: 26179960). In summary, the currently available evidence indicates that the variant is pathogenic, but additional data are needed to prove that conclusively. Therefore, this variant has been classified as Likely Pathogenic. Algorithms developed to predict the effect of variants on protein structure and function are not available or were not evaluated for this variant. ClinVar contains an entry for this variant (Variation ID: 558242). This variant has been observed in individual(s) with glycine encephalopathy (PMID: 26179960). In at least one individual the data is consistent with being in trans (on the opposite chromosome) from a pathogenic variant. This variant is present in population databases (rs769625871, gnomAD 0.0009%). This variant, c.2033_2035del, results in the deletion of 1 amino acid(s) of the GLDC protein (p.Ala678del), but otherwise preserves the integrity of the reading frame.

Laboratory for Molecular Medicine, Mass General Brigham Personalized Medicine
Classification: Likely pathogenic for Glycine encephalopathy. Last evaluated: 2018-10-09. Review status: criteria provided, single submitter. Criteria: LMM Criteria. Collection method: clinical testing. Allele origin: germline. Observed: 1 variant allele.
Comment: The p.Ala678del variant in GLDC has been reported in one individual with glycine encephalopathy who carried a deletion of exons 3-21 in trans (Swanson 2015). It has also been identified in 1/111670 of European chromosomes by gnomAD. This variant is a deletion of one amino acid at posi tion 678 and is not predicted to alter the protein reading-frame. In summary, al though additional studies are required to fully establish its clinical significa nce, the p.Ala678del variant is likely pathogenic. ACMG/AMP criteria applied: PM 2, PM3, PP4, PM4_Supporting.

Counsyl
Classification: Uncertain significance for Glycine encephalopathy 1. Last evaluated: 2018-05-08. Review status: no assertion criteria provided. Collection method: clinical testing. Allele origin: unknown. Not counted in ClinVar's aggregate classification.

Literature cited by the submitters: PubMed 35357708 (cited by Natera, Inc.); PubMed 26179960 (cited by 4 submitters).